The following is an entry in ClinVar:

ClinVar aggregate classification (germline): Conflicting classifications of pathogenicity. Review status: criteria provided, conflicting classifications (1 of 4 stars). 5 submissions from 5 submitters: Pathogenic (1); Likely pathogenic (1); Uncertain significance (3). Last evaluated 2026-03-12.

Conditions:
Cardiovascular phenotype. Identifiers: MedGen CN230736.
Hypertrophic cardiomyopathy. Also called: HYPERTROPHIC MYOCARDIOPATHY. Identifiers: Orphanet 217569, MedGen C0007194, MeSH D002312, MONDO:0005045, HP:0001639.

Allele frequency attached by ClinVar (database versions not stated): gnomAD exomes below 0.00001.
gnomAD v4.1: 2 of 1,614,216 alleles (0.00012%); highest among the groups gnomAD compares: Non-Finnish European, 0.00017%; no homozygotes.

Submissions (5):

Ambry Genetics
Classification: Uncertain significance for Cardiovascular phenotype. Last evaluated: 2026-03-12. Review status: criteria provided, single submitter. Criteria: Ambry Variant Classification Scheme 2023. Collection method: clinical testing. Allele origin: germline.
Comment: The p.Y833H variant (also known as c.2497T>C), located in coding exon 20 of the MYH7 gene, results from a T to C substitution at nucleotide position 2497. The tyrosine at codon 833 is replaced by histidine, an amino acid with similar properties. This variant was identified in one or more individuals with features consistent with hypertrophic cardiomyopathy and segregated with disease in at least one family (Homburger JR et al. Proc Natl Acad Sci U S A, 2016 Jun;113:6701-6; Ho CY et al. Circulation, 2018 Oct;138:1387-1398; Toepfer CN et al. Circulation, 2020 Mar;141:828-842; Harper AR et al. Nat Genet, 2021 Feb;53:135-142; Ambry internal data; external communication). This variant is located in the myosin head domain, which contains a statistically significant clustering of pathogenic missense variants (Homburger JR et al. Proc Natl Acad Sci U S A, 2016 06;113:6701-6; Walsh R et al. Genet Med, 2017 02;19:192-203; Ambry internal data). This amino acid position is not well conserved in available vertebrate species. In addition, the in silico prediction for this alteration is inconclusive. Based on the available evidence, the clinical significance of this variant remains unclear.

Labcorp Genetics (formerly Invitae), Labcorp
Classification: Pathogenic for Hypertrophic cardiomyopathy. Last evaluated: 2025-04-14. Review status: criteria provided, single submitter. Criteria: Invitae Variant Classification Sherloc (09022015). Collection method: clinical testing. Allele origin: germline.
Comment: This sequence change replaces tyrosine, which is neutral and polar, with histidine, which is basic and polar, at codon 833 of the MYH7 protein (p.Tyr833His). This variant is not present in population databases (gnomAD no frequency). This missense change has been observed in individuals with hypertrophic cardiomyopathy (PMID: 27247418, 31983222; internal data). It has also been observed to segregate with disease in related individuals. This variant is also known as Y883H. ClinVar contains an entry for this variant (Variation ID: 181192). Invitae Evidence Modeling of protein sequence and biophysical properties (such as structural, functional, and spatial information, amino acid conservation, physicochemical variation, residue mobility, and thermodynamic stability) indicates that this missense variant is expected to disrupt MYH7 protein function with a positive predictive value of 95%. For these reasons, this variant has been classified as Pathogenic.

GeneDx
Classification: Likely pathogenic. Last evaluated: 2022-09-28. Review status: criteria provided, single submitter. Criteria: GeneDx Variant Classification Process June 2021. Collection method: clinical testing. Allele origin: germline. Affected: yes.
Comment: Not observed in large population cohorts (gnomAD); In silico analysis supports that this missense variant has a deleterious effect on protein structure/function; This variant is associated with the following publications: (PMID: 27247418, 27532257, 29300372)

Laboratory for Molecular Medicine, Mass General Brigham Personalized Medicine
Classification: Uncertain significance. Last evaluated: 2016-01-29. Review status: criteria provided, single submitter. Criteria: LMM Criteria. Collection method: clinical testing. Allele origin: germline. Observed: 1 variant allele.
Comment: Variant classified as Uncertain Significance - Favor Pathogenic. The p.Tyr833His variant in MYH7 has not been previously reported in individuals with cardiomyop athy or in large population studies. This variant was predicted to be pathogenic using a computational tool clinically validated by our laboratory. This tool's pathogenic prediction is estimated to be correct 94% of the time (Jordan 2011). In summary, while there is some suspicion for a pathogenic role, the clinical si gnificance of the p.Tyr833His variant is uncertain.

Stanford Center for Inherited Cardiovascular Disease, Stanford University
Classification: Uncertain significance. Last evaluated: 2014-01-02. Review status: criteria provided, single submitter. Criteria: ACMG Guidelines, 2015. Collection method: provider interpretation. Allele origin: germline.

Literature cited by the submitters: PubMed 27247418 (cited by Ambry Genetics and Labcorp Genetics (formerly Invitae), Labcorp); PubMed 30297972 (cited by Ambry Genetics); PubMed 31983222 (cited by Ambry Genetics and Labcorp Genetics (formerly Invitae), Labcorp); PubMed 33495597 (cited by Ambry Genetics).

NM_000257.4(MYH7):c.2497T>C (p.Tyr833His)

Genes: MYH7 (myosin heavy chain 7; minus strand), LOC126861898 (BRD4-independent group 4 enhancer GRCh37_chr14:23893609-23894808; plus strand). Cytogenetic location: 14q11.2.
Variant type: single nucleotide variant.
Coding change: c.2497T>C on transcript NM_000257.4 (MANE Select); coding-DNA position 2497, T replaced by C.
Protein change: p.Tyr833His; replaces tyrosine 833 with histidine.
Molecular consequence: missense variant.
Genome position (GRCh38, 1-based): chr14:23,424,951, A>G on the plus strand (T>C on the coding strand, the complement: MYH7 is on the minus strand). VCF-style: chr14-23424951-A-G. GRCh37 (hg19) VCF-style: chr14-23894160-A-G.
Other names: p.Y833H:TAC>CAC; short protein forms Y833H.
Identifiers: ClinVar variation 181192 (VCV000181192.20), dbSNP rs730880746, ClinGen allele CA012477.
Genomic context (GRCh38, chr14:23,424,951, plus strand): 5'-TCATGGAGGCCATCTCCTTCTCTCTTTCTGCACTCTTCAGCAGCGGCTTGATCTTGAAGT[A>G]GAGCTTCATCCAGGGCCAATTCTTGACCCCCATGAAGGCCCGAATGTTCCACTGGATTAC-3'
Protein context (NP_000248.2, residues 823-843): GVKNWPWMKL[Tyr833His]FKIKPLLKSA